The following is an entry in ClinVar:

ClinVar aggregate classification (germline): Conflicting classifications of pathogenicity. Review status: criteria provided, conflicting classifications (1 of 4 stars). 2 submissions from 2 submitters: Uncertain significance (1); Likely benign (1). Last evaluated 2026-03-23.

Conditions:
ADCY3-related disorder. Also called: ADCY3-related condition.

Allele frequency attached by ClinVar (database versions not stated): ExAC 0.00004; gnomAD 0.00009.

Submissions (2):

GeneDx
Classification: Uncertain significance. Last evaluated: 2026-03-23. Review status: criteria provided, single submitter. Criteria: GeneDx Variant Classification Process June 2021. Collection method: clinical testing. Allele origin: germline.
Comment: Has not been previously published as pathogenic or benign to our knowledge; Located in a regulatory region; in the absence of functional studies, the actual effect of this sequence change is unknown

PreventionGenetics, part of Exact Sciences
Classification: Likely benign for ADCY3-related condition. Last evaluated: 2025-05-20. Review status: criteria provided, single submitter. Criteria: ACMG Guidelines, 2015. Collection method: clinical testing. Allele origin: germline.
Comment: This variant is classified as likely benign based on ACMG/AMP sequence variant interpretation guidelines (Richards et al. 2015 PMID: 25741868, with internal and published modifications).

NM_004036.5(ADCY3):c.3414_*3dup (p.His1138_Ter1145=)

Genes: ADCY3 (adenylate cyclase 3; minus strand), CENPO (centromere protein O; plus strand). Cytogenetic location: 2p23.3.
Variant type: Duplication.
Coding change: c.3414_*3dup on transcript NM_004036.5 (MANE Select); coding-DNA position 3414 through 3 bases downstream of the stop codon, 25 bases duplicated (CCAGGTGGTGGACAACTCCTGAATG).
Protein change: p.His1138_Ter1145=.
Molecular consequence: no sequence alteration. On other transcripts: 3 prime UTR variant (4), non-coding transcript variant (3).
Genome position (GRCh38, 1-based): chr2:24,819,929-24,819,953, CATTCAGGAGTTGTCCACCACCTGG duplicated on the plus strand (CCAGGTGGTGGACAACTCCTGAATG on the coding strand, the reverse complement: ADCY3 is on the minus strand). VCF-style (leftmost placement, unchanged base first): chr2-24819928-C-CCATTCAGGAGTTGTCCACCACCTGG. GRCh37 (hg19) VCF-style: chr2-25042797-C-CCATTCAGGAGTTGTCCACCACCTGG.
Other names: c.3417_*3dup, p.His1139_Ter1146= (NM_001320613.2); c.3480_*3dup, p.His1160_Ter1167= (NM_001377128.1); c.3276_*3dup, p.His1092_Ter1099= (NM_001377129.1); c.*155_*179dup (NM_001377130.1); c.2691_*3dup, p.His897_Ter904= (NM_001377131.1); c.3414_*3dup, p.His1138_Ter1145= (NM_001377132.1); c.*611_*635dup (NM_001199803.3, NM_001322101.2, NM_024322.4).
Identifiers: ClinVar variation 3044157 (VCV003044157.4), dbSNP rs765793242, ClinGen allele CA1553389.